The following is an entry in ClinVar:

ClinVar aggregate classification (germline): Uncertain significance. Review status: criteria provided, multiple submitters, no conflicts (2 of 4 stars). 2 submissions from 2 submitters: Uncertain significance (2). Last evaluated 2026-01-27.

Conditions:
Inborn genetic diseases. Identifiers: MedGen C0950123, MeSH D030342.

Allele frequency attached by ClinVar (database versions not stated): gnomAD exomes 0.00003; TOPMed 0.00003; ExAC 0.00011.
gnomAD v4.1: 181 of 1,514,778 alleles (0.012%); highest among the groups gnomAD compares: Non-Finnish European, 0.015%; no homozygotes.

Submissions (2):

GeneDx
Classification: Uncertain significance. Last evaluated: 2026-01-27. Review status: criteria provided, single submitter. Criteria: GeneDx Variant Classification Process June 2021. Collection method: clinical testing. Allele origin: germline. Affected: yes.
Comment: In silico analysis supports that this missense variant has a deleterious effect on protein structure/function; Has not been previously published as pathogenic or benign to our knowledge

Ambry Genetics
Classification: Uncertain significance for Inborn genetic diseases. Last evaluated: 2024-01-22. Review status: criteria provided, single submitter. Criteria: Ambry Variant Classification Scheme 2023. Collection method: clinical testing. Allele origin: germline.

NM_138422.4(ADAT3):c.667G>A (p.Val223Met)

Genes: ADAT3 (adenosine deaminase tRNA specific 3; plus strand), SCAMP4 (secretory carrier membrane protein 4; plus strand). Cytogenetic location: 19p13.3.
Variant type: single nucleotide variant.
Coding change: c.667G>A on transcript NM_138422.4 (MANE Select); coding-DNA position 667, G replaced by A.
Protein change: p.Val223Met; replaces valine 223 with methionine.
Molecular consequence: missense variant. On other transcripts: intron variant (3).
Genome position (GRCh38, 1-based): chr19:1,912,714, G>A. VCF-style: chr19-1912714-G-A. GRCh37 (hg19) VCF-style: chr19-1912713-G-A.
Other names: c.619G>A, p.Val207Met (NM_001329533.2); c.-41-2265G>A (NM_079834.4, NM_001329540.2); c.-125-4980G>A (NM_001329539.2); short protein forms V223M, V207M.
Identifiers: ClinVar variation 450198 (VCV000450198.4), dbSNP rs757333098, ClinGen allele CA9054569.